The following is an entry in ClinVar:

NM_005609.4(PYGM):c.963T>C (p.Asp321=)

Gene: PYGM (glycogen phosphorylase, muscle associated; minus strand). Cytogenetic location: 11q13.1.
Variant type: single nucleotide variant.
Coding change: c.963T>C on transcript NM_005609.4 (MANE Select); coding-DNA position 963, T replaced by C.
Protein change: p.Asp321=; no amino-acid change (aspartic acid 321 retained).
Molecular consequence: synonymous variant.
Genome position (GRCh38, 1-based): chr11:64,754,729, A>G on the plus strand (T>C on the coding strand, the complement: PYGM is on the minus strand). VCF-style: chr11-64754729-A-G. GRCh37 (hg19) VCF-style: chr11-64522201-A-G.
Other names: c.963T>C (NM_005609.3); c.699T>C, p.Asp233= (NM_001164716.1).
Identifiers: ClinVar variation 1139399 (VCV001139399.11), dbSNP rs772678994, ClinGen allele CA6080067.

ClinVar aggregate classification (germline): Likely benign. Review status: criteria provided, single submitter (1 of 4 stars). 2 submissions from 2 submitters: Likely benign (1). 1 of the submissions does not count toward it. Last evaluated 2025-06-17.

Conditions:
Glycogen storage disease, type V (GSD5). Also called: MCARDLE DISEASE; MUSCLE GLYCOGEN PHOSPHORYLASE DEFICIENCY; MYOPHOSPHORYLASE DEFICIENCY; PYGM DEFICIENCY; McArdle type glycogen storage disease. Identifiers: Orphanet 368, MedGen C0017924, MONDO:0009293, OMIM 232600.
PYGM-related disorder. Also called: PYGM-related condition.

Allele frequency attached by ClinVar (database versions not stated): ExAC 0.00001; gnomAD 0.00001; gnomAD exomes 0.00001; TOPMed 0.00002.

Submissions (2):

Labcorp Genetics (formerly Invitae), Labcorp
Classification: Likely benign for Glycogen storage disease, type V. Last evaluated: 2025-06-17. Review status: criteria provided, single submitter. Criteria: Invitae Variant Classification Sherloc (09022015). Collection method: clinical testing. Allele origin: germline.

PreventionGenetics, part of Exact Sciences
Classification: Likely benign for PYGM-related condition. Last evaluated: 2023-08-10. Review status: no assertion criteria provided. Collection method: clinical testing. Allele origin: germline. Not counted in ClinVar's aggregate classification.
Comment: This variant is classified as likely benign based on ACMG/AMP sequence variant interpretation guidelines (Richards et al. 2015 PMID: 25741868, with internal and published modifications).